The following is an entry in ClinVar:

ClinVar aggregate classification (germline): Uncertain significance. Review status: criteria provided, multiple submitters, no conflicts (2 of 4 stars). 2 submissions from 2 submitters: Uncertain significance (2). Last evaluated 2024-05-31.

Allele frequency attached by ClinVar (database versions not stated): gnomAD exomes 0.00011 and 0.00018; gnomAD 0.00012 and 0.00013; ExAC 0.00014; TOPMed 0.00014; ESP Exome Variant Server 0.00024.

Submissions (2):

Blueprint Genetics
Classification: Uncertain significance. Last evaluated: 2024-05-31. Review status: criteria provided, single submitter. Criteria: ACMG Guidelines, 2015. Collection method: clinical testing. Allele origin: germline.

Labcorp Genetics (formerly Invitae), Labcorp
Classification: Uncertain significance. Last evaluated: 2022-07-19. Review status: criteria provided, single submitter. Criteria: Invitae Variant Classification Sherloc (09022015). Collection method: clinical testing. Allele origin: germline.
Comment: This sequence change replaces glycine, which is neutral and non-polar, with arginine, which is basic and polar, at codon 344 of the GPR179 protein (p.Gly344Arg). This variant is present in population databases (rs201799941, gnomAD 0.02%). This variant has not been reported in the literature in individuals affected with GPR179-related conditions. ClinVar contains an entry for this variant (Variation ID: 1469317). Algorithms developed to predict the effect of missense changes on protein structure and function output the following: SIFT: "Deleterious"; PolyPhen-2: "Benign"; Align-GVGD: "Class C0". The arginine amino acid residue is found in multiple mammalian species, which suggests that this missense change does not adversely affect protein function. Algorithms developed to predict the effect of sequence changes on RNA splicing suggest that this variant may create or strengthen a splice site. In summary, the available evidence is currently insufficient to determine the role of this variant in disease. Therefore, it has been classified as a Variant of Uncertain Significance.

NM_001004334.4(GPR179):c.1030G>A (p.Gly344Arg)

Gene: GPR179 (G protein-coupled receptor 179; minus strand). Cytogenetic location: 17q12.
Variant type: single nucleotide variant.
Coding change: c.1030G>A on transcript NM_001004334.4 (MANE Select); coding-DNA position 1030, G replaced by A.
Protein change: p.Gly344Arg; replaces glycine 344 with arginine.
Molecular consequence: missense variant.
Genome position (GRCh38, 1-based): chr17:38,337,175, C>T on the plus strand (G>A on the coding strand, the complement: GPR179 is on the minus strand). VCF-style: chr17-38337175-C-T. GRCh37 (hg19) VCF-style: chr17-36493058-C-T.
Other names: short protein forms G344R.
Identifiers: ClinVar variation 1469317 (VCV001469317.4), dbSNP rs201799941, ClinGen allele CA290109435.
Genomic context (GRCh38, chr17:38,337,175, plus strand): 5'-TGCAGCCCTCAGGACATGGCAGACACTGCAGCAGTCTCCCAGATCTGCCTTCTGGGAACC[C>T]GAATTGCCCGGTAGTCTGGAAGTCACTCTCCTCTAACCCTATAAAGAACAAGATGAGTGC-3'
Protein context (NP_001004334.3, residues 334-354): ESDFQTTGQF[Gly344Arg]FPEGRSGRLL